The following is an entry in ClinVar:

ClinVar aggregate classification (germline): Uncertain significance. Review status: criteria provided, multiple submitters, no conflicts (2 of 4 stars). 2 submissions from 2 submitters: Uncertain significance (2). Last evaluated 2025-03-10.

Conditions:
POLD1-related polyposis and colorectal cancer syndrome (CRCS10). Also called: Colorectal cancer, susceptibility to, 10; Colorectal cancer 10; COLORECTAL CANCER, SUSCEPTIBILITY TO, ON CHROMOSOME 19q. Identifiers: Orphanet 220460, MedGen C2675481, MONDO:0012953, OMIM 612591.

Submissions (2):

Labcorp Genetics (formerly Invitae), Labcorp
Classification: Uncertain significance for POLD1-related polyposis and colorectal cancer syndrome. Last evaluated: 2025-03-10. Review status: criteria provided, single submitter. Criteria: Invitae Variant Classification Sherloc (09022015). Collection method: clinical testing. Allele origin: germline.
Comment: This sequence change replaces phenylalanine, which is neutral and non-polar, with cysteine, which is neutral and slightly polar, at codon 418 of the POLD1 protein (p.Phe418Cys). This variant is not present in population databases (gnomAD no frequency). This variant has not been reported in the literature in individuals affected with POLD1-related conditions. ClinVar contains an entry for this variant (Variation ID: 2677928). Invitae Evidence Modeling of protein sequence and biophysical properties (such as structural, functional, and spatial information, amino acid conservation, physicochemical variation, residue mobility, and thermodynamic stability) indicates that this missense variant is not expected to disrupt POLD1 protein function with a negative predictive value of 80%. In summary, the available evidence is currently insufficient to determine the role of this variant in disease. Therefore, it has been classified as a Variant of Uncertain Significance.

Baylor Genetics
Classification: Uncertain significance for POLD1-related polyposis and colorectal cancer syndrome. Last evaluated: 2023-10-06. Review status: criteria provided, single submitter. Criteria: ACMG Guidelines, 2015. Collection method: clinical testing. Allele origin: unknown.

NM_002691.4(POLD1):c.1253T>G (p.Phe418Cys)

Gene: POLD1 (DNA polymerase delta 1, catalytic subunit; plus strand). Cytogenetic location: 19q13.33.
Variant type: single nucleotide variant.
Coding change: c.1253T>G on transcript NM_002691.4 (MANE Select); coding-DNA position 1253, T replaced by G.
Protein change: p.Phe418Cys; replaces phenylalanine 418 with cysteine.
Molecular consequence: missense variant. On other transcripts: non-coding transcript variant (1).
Genome position (GRCh38, 1-based): chr19:50,406,192, T>G. VCF-style: chr19-50406192-T-G. GRCh37 (hg19) VCF-style: chr19-50909449-T-G.
Other names: c.1253T>G, p.Phe418Cys (NM_001256849.1, NM_001308632.1); short protein forms F418C.
Identifiers: ClinVar variation 2677928 (VCV002677928.4), dbSNP rs1275473535, ClinGen allele CA406979720.
Genomic context (GRCh38, chr19:50,406,192, plus strand): 5'-TATGTGACGGGGACCCGCAGCCTGCTGCACACCCTGCCTCTCCTCCTCAGGTACAAACAT[T>G]CCCTTTCCTGGGCCGTGTGGCCGGCCTTTGCTCCAACATCCGGGACTCTTCATTCCAGTC-3'
Protein context (NP_002682.2, residues 408-428): SRAQTLKVQT[Phe418Cys]PFLGRVAGLC